The following is an entry in ClinVar:

ClinVar aggregate classification (germline): Uncertain significance. Review status: criteria provided, multiple submitters, no conflicts (2 of 4 stars). 2 submissions from 2 submitters: Uncertain significance (2). Last evaluated 2024-01-27.

Conditions:
Hereditary cancer-predisposing syndrome. Also called: Neoplastic Syndromes, Hereditary; Tumor predisposition; Hereditary neoplastic syndrome; Hereditary Cancer Syndrome. Identifiers: Orphanet 140162, MedGen C0027672, MeSH D009386, MONDO:0015356.
Familial cancer of breast. Also called: BREAST CANCER, FAMILIAL; Hereditary breast cancer; hereditary breast carcinoma. Identifiers: Orphanet 227535, MedGen C0346153, MONDO:0016419, OMIM 114480. Disease mechanism: loss of function.

Submissions (2):

Labcorp Genetics (formerly Invitae), Labcorp
Classification: Uncertain significance for Familial cancer of breast. Last evaluated: 2024-01-27. Review status: criteria provided, single submitter. Criteria: Invitae Variant Classification Sherloc (09022015). Collection method: clinical testing. Allele origin: germline.
Comment: This sequence change replaces arginine, which is basic and polar, with lysine, which is basic and polar, at codon 262 of the CHEK2 protein (p.Arg262Lys). This variant is not present in population databases (gnomAD no frequency). This variant has not been reported in the literature in individuals affected with CHEK2-related conditions. ClinVar contains an entry for this variant (Variation ID: 827293). Algorithms developed to predict the effect of missense changes on protein structure and function output the following: SIFT: "Not Available"; PolyPhen-2: "Benign"; Align-GVGD: "Not Available". The lysine amino acid residue is found in multiple mammalian species, which suggests that this missense change does not adversely affect protein function. In summary, the available evidence is currently insufficient to determine the role of this variant in disease. Therefore, it has been classified as a Variant of Uncertain Significance.

Ambry Genetics
Classification: Uncertain significance for Hereditary cancer-predisposing syndrome. Last evaluated: 2019-09-27. Review status: criteria provided, single submitter. Criteria: Ambry Variant Classification Scheme 2023. Collection method: clinical testing. Allele origin: germline.
Comment: The p.R262K variant (also known as c.785G>A), located in coding exon 5 of the CHEK2 gene, results from a G to A substitution at nucleotide position 785. The arginine at codon 262 is replaced by lysine, an amino acid with highly similar properties. This amino acid position is well conserved in available vertebrate species; however, lysine is the reference amino acid in other vertebrate species. In addition, the in silico prediction for this alteration is inconclusive. Since supporting evidence is limited at this time, the clinical significance of this alteration remains unclear.

NM_007194.4(CHEK2):c.785G>A (p.Arg262Lys)

Gene: CHEK2 (checkpoint kinase 2; minus strand). Cytogenetic location: 22q12.1.
Variant type: single nucleotide variant.
Coding change: c.785G>A on transcript NM_007194.4 (MANE Select); coding-DNA position 785, G replaced by A.
Protein change: p.Arg262Lys; replaces arginine 262 with lysine.
Molecular consequence: missense variant.
Genome position (GRCh38, 1-based): chr22:28,711,916, C>T on the plus strand (G>A on the coding strand, the complement: CHEK2 is on the minus strand). VCF-style: chr22-28711916-C-T. GRCh37 (hg19) VCF-style: chr22-29107904-C-T.
Other names: c.914G>A, p.Arg305Lys (NM_001005735.3); c.122G>A, p.Arg41Lys (NM_001257387.3); c.584G>A, p.Arg195Lys (NM_001349956.3); c.785G>A, p.Arg262Lys (NM_145862.3); short protein forms R195K, R262K, R305K, R41K.
Identifiers: ClinVar variation 827293 (VCV000827293.11), dbSNP rs1601782873, ClinGen allele CA411103057.
Genomic context (GRCh38, chr22:28,711,916, plus strand): 5'-GAAGTTATGAAGACGTGTTAATAAAAGGTGATCAGCCTTTTATTGGTACTTACTGCCTCT[C>T]TTGCTGAACCAATAGCAAACTTCCTTTTGCTGATGATCTTTATGGCTACTTTCTTACATG-3'
Protein context (NP_009125.1, residues 252-272): SKRKFAIGSA[Arg262Lys]EADPALNVET